The following is an entry in ClinVar:

ClinVar aggregate classification (germline): Likely benign (1 of 4 stars; one submission).

Submission:

CeGaT Center for Human Genetics Tuebingen
Classification: Likely benign. Last evaluated: 2025-10-01. Review status: criteria provided, single submitter. Criteria: CeGaT Center For Human Genetics Tuebingen Variant Classification Criteria Version 2. Collection method: clinical testing. Allele origin: germline. Affected: yes. Observed: 3 variant alleles.
Comment: RIMBP3: BP4, BP7

NM_015672.2(RIMBP3):c.2388G>A (p.Pro796=)

Gene: RIMBP3 (RIMS binding protein 3; minus strand). Cytogenetic location: 22q11.21.
Variant type: single nucleotide variant.
Coding change: c.2388G>A on transcript NM_015672.2 (MANE Select); coding-DNA position 2388, G replaced by A.
Protein change: p.Pro796=; no amino-acid change (proline 796 retained).
Molecular consequence: synonymous variant.
Genome position (GRCh38, 1-based): chr22:18,609,047, C>T on the plus strand (G>A on the coding strand, the complement: RIMBP3 is on the minus strand). VCF-style: chr22-18609047-C-T. GRCh37 (hg19) VCF-style: chr22-20458914-C-T.
Identifiers: ClinVar variation 3778006 (VCV003778006.7).